The following is an entry in ClinVar:

NM_007315.4(STAT1):c.736G>A (p.Ala246Thr)

Gene: STAT1 (signal transducer and activator of transcription 1; minus strand). Cytogenetic location: 2q32.2.
Variant type: single nucleotide variant.
Coding change: c.736G>A on transcript NM_007315.4 (MANE Select); coding-DNA position 736, G replaced by A.
Protein change: p.Ala246Thr; replaces alanine 246 with threonine.
Molecular consequence: missense variant.
Genome position (GRCh38, 1-based): chr2:190,997,905, C>T on the plus strand (G>A on the coding strand, the complement: STAT1 is on the minus strand). VCF-style: chr2-190997905-C-T. GRCh37 (hg19) VCF-style: chr2-191862631-C-T.
Other names: c.736G>A, p.Ala246Thr (NM_001384880.1, NM_001384882.1, NM_001384885.1 and 5 more transcripts); c.742G>A, p.Ala248Thr (NM_001384881.1, NM_001384884.1); c.637G>A, p.Ala213Thr (NM_001384883.1); c.646G>A, p.Ala216Thr (NM_001384890.1); c.772G>A, p.Ala258Thr (NM_001384891.1); short protein forms A248T, A258T, A213T, A216T, A246T.
Identifiers: ClinVar variation 2153836 (VCV002153836.4), dbSNP rs2470517177, ClinGen allele CA349923256.

ClinVar aggregate classification (germline): Uncertain significance (1 of 4 stars; one submission).

Conditions:
Mendelian susceptibility to mycobacterial diseases due to partial STAT1 deficiency. Also called: IMMUNODEFICIENCY 31A, MYCOBACTERIOSIS, AUTOSOMAL DOMINANT; STAT1 DEFICIENCY, AUTOSOMAL DOMINANT; Immunodeficiency 31a. Identifiers: Orphanet 319595, MedGen C4013950, MONDO:0013956, OMIM 614892.
Immunodeficiency 31B. Also called: STAT1 DEFICIENCY, AUTOSOMAL RECESSIVE; IMMUNODEFICIENCY 31B, MYCOBACTERIAL AND VIRAL INFECTIONS, AUTOSOMAL RECESSIVE. Identifiers: Orphanet 391311, MedGen C3151088, MONDO:0013427, OMIM 613796.
Autoimmune enteropathy and endocrinopathy - susceptibility to chronic infections syndrome. Also called: Immunodeficiency 31C; Immunodeficiency 31C, autosomal dominant. Identifiers: Orphanet 391487, MedGen C3279990, MONDO:0013599, OMIM 614162.

Submission:

Labcorp Genetics (formerly Invitae), Labcorp
Classification: Uncertain significance for Mendelian susceptibility to mycobacterial diseases due to partial STAT1 deficiency; Immunodeficiency 31B; Autoimmune enteropathy and endocrinopathy - susceptibility to chronic infections syndrome. Last evaluated: 2024-07-21. Review status: criteria provided, single submitter. Criteria: Invitae Variant Classification Sherloc (09022015). Collection method: clinical testing. Allele origin: germline.
Comment: This sequence change replaces alanine, which is neutral and non-polar, with threonine, which is neutral and polar, at codon 246 of the STAT1 protein (p.Ala246Thr). This variant is not present in population databases (gnomAD no frequency). This missense change has been observed in individual(s) with clinical features of mendelian susceptibility to mycobacterial disease (PMID: 33225392, 35976469, 36336768). ClinVar contains an entry for this variant (Variation ID: 2153836). An algorithm developed to predict the effect of missense changes on protein structure and function (PolyPhen-2) suggests that this variant is likely to be disruptive. Experimental studies have shown that this missense change affects STAT1 function (PMID: 35976469). In summary, the available evidence is currently insufficient to determine the role of this variant in disease. Therefore, it has been classified as a Variant of Uncertain Significance.

Literature cited by the submitters: PubMed 33225392; PubMed 35976469; PubMed 36336768.